The following is an entry in ClinVar:

ClinVar aggregate classification (germline): Pathogenic (1 of 4 stars; one submission).

Conditions:
Symmetrical dyschromatosis of extremities (DSH). Also called: DYSCHROMATOSIS SYMMETRICA HEREDITARIA 1; RETICULATE ACROPIGMENTATION OF DOHI; SYMMETRIC DYSCHROMATOSIS OF THE EXTREMITIES; Dyschromatosis symmetrica hereditaria. Identifiers: Orphanet 41, MedGen C0406775, MONDO:0007483, OMIM 127400.
Aicardi-Goutieres syndrome 6 (AGS6). Identifiers: Orphanet 51, MedGen C3539013, MONDO:0014007, OMIM 615010.

Submission:

Labcorp Genetics (formerly Invitae), Labcorp
Classification: Pathogenic for Aicardi-Goutieres syndrome 6; Symmetrical dyschromatosis of extremities. Last evaluated: 2024-12-20. Review status: criteria provided, single submitter. Criteria: Invitae Variant Classification Sherloc (09022015). Collection method: clinical testing. Allele origin: germline.
Comment: This sequence change creates a premature translational stop signal (p.Glu598Glyfs*63) in the ADAR gene. It is expected to result in an absent or disrupted protein product. Loss-of-function variants in ADAR are known to be pathogenic (PMID: 22974014). This variant is not present in population databases (gnomAD no frequency). This variant has not been reported in the literature in individuals affected with ADAR-related conditions. For these reasons, this variant has been classified as Pathogenic.

Literature cited by the submitters: PubMed 22974014.

NM_001111.5(ADAR):c.1793del (p.Glu598fs)

Gene: ADAR (adenosine deaminase RNA specific; minus strand). Cytogenetic location: 1q21.3.
Variant type: Deletion.
Coding change: c.1793del on transcript NM_001111.5 (MANE Select); coding-DNA position 1793, one base deleted (A; older notation c.1793delA).
Protein change: p.Glu598fs; shifts the reading frame from glutamic acid 598.
Molecular consequence: frameshift variant.
Genome position (GRCh38, 1-based): chr1:154,597,969, T deleted on the plus strand (A on the coding strand, the reverse complement: ADAR is on the minus strand). VCF-style (leftmost placement, unchanged base first): chr1-154597968-CT-C. GRCh37 (hg19) VCF-style: chr1-154570444-CT-C.
Other names: c.908del, p.Glu303fs (NM_001025107.3, NM_001193495.2, NM_001365046.1 and 3 more transcripts); c.1820del, p.Glu607fs (NM_001365045.1); c.1793del, p.Glu598fs (NM_015840.4, NM_015841.4); short protein forms E303fs, E598fs, E607fs.
Identifiers: ClinVar variation 3760066 (VCV003760066.2).